The following is an entry in ClinVar:

NM_006231.4(POLE):c.2873T>C (p.Val958Ala)

Gene: POLE (DNA polymerase epsilon, catalytic subunit; minus strand). Cytogenetic location: 12q24.33.
Variant type: single nucleotide variant.
Coding change: c.2873T>C on transcript NM_006231.4 (MANE Select); coding-DNA position 2873, T replaced by C.
Protein change: p.Val958Ala; replaces valine 958 with alanine.
Molecular consequence: missense variant.
Genome position (GRCh38, 1-based): chr12:132,661,156, A>G on the plus strand (T>C on the coding strand, the complement: POLE is on the minus strand). VCF-style: chr12-132661156-A-G. GRCh37 (hg19) VCF-style: chr12-133237742-A-G.
Other names: short protein forms V958A.
Identifiers: ClinVar variation 3781515 (VCV003781515.1).

ClinVar aggregate classification (germline): Uncertain significance (1 of 4 stars; one submission).

Conditions:
Hereditary cancer-predisposing syndrome. Also called: Neoplastic Syndromes, Hereditary; Hereditary Cancer Syndrome; Tumor predisposition; Hereditary neoplastic syndrome. Identifiers: Orphanet 140162, MedGen C0027672, MeSH D009386, MONDO:0015356.

gnomAD v4.1: 1 of 1,584,998 alleles (0.000063%); highest among the groups gnomAD compares: Non-Finnish European, 0.000085%; no homozygotes.

Submission:

Ambry Genetics
Classification: Uncertain significance for Hereditary cancer-predisposing syndrome. Last evaluated: 2025-01-15. Review status: criteria provided, single submitter. Criteria: Ambry Variant Classification Scheme 2023. Collection method: clinical testing. Allele origin: germline.
Comment: The p.V958A variant (also known as c.2873T>C), located in coding exon 25 of the POLE gene, results from a T to C substitution at nucleotide position 2873. The valine at codon 958 is replaced by alanine, an amino acid with similar properties. This amino acid position is highly conserved in available vertebrate species. In addition, the in silico prediction for this alteration is inconclusive. Based on the available evidence, the clinical significance of this variant remains unclear.